The following is an entry in ClinVar:

NM_001367624.2(ZNF469):c.5186C>T (p.Pro1729Leu)

Gene: ZNF469 (zinc finger protein 469; plus strand). Cytogenetic location: 16q24.2.
Variant type: single nucleotide variant.
Coding change: c.5186C>T on transcript NM_001367624.2 (MANE Select); coding-DNA position 5186, C replaced by T.
Protein change: p.Pro1729Leu; replaces proline 1729 with leucine.
Molecular consequence: missense variant.
Genome position (GRCh38, 1-based): chr16:88,432,656, C>T. VCF-style: chr16-88432656-C-T. GRCh37 (hg19) VCF-style: chr16-88499064-C-T.
Other names: short protein forms P1729L.
Identifiers: ClinVar variation 3027169 (VCV003027169.22), dbSNP rs1906282839, ClinGen allele CA397095713.

ClinVar aggregate classification (germline): Uncertain significance (1 of 4 stars; one submission).

Allele frequency attached by ClinVar (database versions not stated): gnomAD exomes below 0.00001; TOPMed below 0.00001.
gnomAD v4.1: 2 of 1,550,454 alleles (0.00013%); highest among the groups gnomAD compares: East Asian, 0.0024%; no homozygotes.

Submission:

CeGaT Center for Human Genetics Tuebingen
Classification: Uncertain significance. Last evaluated: 2024-01-01. Review status: criteria provided, single submitter. Criteria: CeGaT Center For Human Genetics Tuebingen Variant Classification Criteria Version 2. Collection method: clinical testing. Allele origin: germline. Affected: yes. Observed: 1 variant allele.
Comment: ZNF469: PM2, BP4